The following is an entry in ClinVar:

NM_002317.7(LOX):c.1232G>T (p.Gly411Val)

Genes: LOX (lysyl oxidase; minus strand), SRFBP1 (serum response factor binding protein 1; plus strand). Cytogenetic location: 5q23.1.
Variant type: single nucleotide variant.
Coding change: c.1232G>T on transcript NM_002317.7 (MANE Select); coding-DNA position 1232, G replaced by T.
Protein change: p.Gly411Val; replaces glycine 411 with valine.
Molecular consequence: missense variant.
Genome position (GRCh38, 1-based): chr5:122,070,068, C>A on the plus strand (G>T on the coding strand, the complement: LOX is on the minus strand). VCF-style: chr5-122070068-C-A. GRCh37 (hg19) VCF-style: chr5-121405763-C-A.
Other names: c.542G>T, p.Gly181Val (NM_001178102.2); c.341G>T, p.Gly114Val (NM_001317073.1); short protein forms G114V, G181V, G411V.
Identifiers: ClinVar variation 1755946 (VCV001755946.3), dbSNP rs186028768, ClinGen allele CA360880130.
Genomic context (GRCh38, chr5:122,070,068, plus strand): 5'-AATTATTTGTGACAACAATTACTTAGCTAAGCAAATAACACTTACGGTGAAATTGTGCAG[C>A]CTGAGGCATACGCATGATGTCCTGTGTAGCGAATGTCACAGCGCACAACATTGTTGGTAT-3'
Protein context (NP_002308.2, residues 401-417): RYTGHHAYAS[Gly411Val]CTISPY

ClinVar aggregate classification (germline): Uncertain significance. Review status: criteria provided, multiple submitters, no conflicts (2 of 4 stars). 2 submissions from 2 submitters: Uncertain significance (2). Last evaluated 2025-09-20.

Conditions:
Cardiovascular phenotype. Identifiers: MedGen CN230736.

Submissions (2):

Labcorp Genetics (formerly Invitae), Labcorp
Classification: Uncertain significance. Last evaluated: 2025-09-20. Review status: criteria provided, single submitter. Criteria: Invitae Variant Classification Sherloc (09022015). Collection method: clinical testing. Allele origin: germline.
Comment: This sequence change replaces glycine, which is neutral and non-polar, with valine, which is neutral and non-polar, at codon 411 of the LOX protein (p.Gly411Val). This variant is not present in population databases (gnomAD no frequency). This variant has not been reported in the literature in individuals affected with LOX-related conditions. ClinVar contains an entry for this variant (Variation ID: 1755946). Invitae Evidence Modeling of protein sequence and biophysical properties (such as structural, functional, and spatial information, amino acid conservation, physicochemical variation, residue mobility, and thermodynamic stability) has been performed for this missense variant. However, the output from this modeling did not meet the statistical confidence thresholds required to predict the impact of this variant on LOX protein function. In summary, the available evidence is currently insufficient to determine the role of this variant in disease. Therefore, it has been classified as a Variant of Uncertain Significance.

Ambry Genetics
Classification: Uncertain significance for Cardiovascular phenotype. Last evaluated: 2021-04-27. Review status: criteria provided, single submitter. Criteria: Ambry Variant Classification Scheme 2023. Collection method: clinical testing. Allele origin: germline.
Comment: The p.G411V variant (also known as c.1232G>T), located in coding exon 6 of the LOX gene, results from a G to T substitution at nucleotide position 1232. The glycine at codon 411 is replaced by valine, an amino acid with dissimilar properties. This amino acid position is well conserved in available vertebrate species. In addition, the in silico prediction for this alteration is inconclusive. Since supporting evidence is limited at this time, the clinical significance of this alteration remains unclear.